The following is an entry in ClinVar:

NM_003119.4(SPG7):c.463C>A (p.Leu155Met)

Gene: SPG7 (SPG7 matrix AAA peptidase subunit, paraplegin; plus strand). Cytogenetic location: 16q24.3.
Variant type: single nucleotide variant.
Coding change: c.463C>A on transcript NM_003119.4 (MANE Select); coding-DNA position 463, C replaced by A.
Protein change: p.Leu155Met; replaces leucine 155 with methionine.
Molecular consequence: missense variant.
Genome position (GRCh38, 1-based): chr16:89,524,092, C>A. VCF-style: chr16-89524092-C-A. GRCh37 (hg19) VCF-style: chr16-89590500-C-A.
Other names: c.463C>A, p.Leu155Met (NM_001363850.1, NM_199367.3); short protein forms L155M.
Identifiers: ClinVar variation 2693300 (VCV002693300.3), dbSNP rs2543723812, ClinGen allele CA397417339.

ClinVar aggregate classification (germline): Uncertain significance (1 of 4 stars; one submission).

Conditions:
Hereditary spastic paraplegia 7 (SPG7). Also called: Autosomal recessive spastic paraplegia type 7; SPASTIC PARAPLEGIA 7, AUTOSOMAL RECESSIVE, WITH OR WITHOUT CEREBELLAR ATAXIA; Spastic paraplegia 7; Hereditary spastic paraplegia Paraplegin type; SPG7-related neurologic disorder. Identifiers: Orphanet 99013, MedGen C1846564, MONDO:0011803, OMIM 607259.

Submission:

Labcorp Genetics (formerly Invitae), Labcorp
Classification: Uncertain significance for Hereditary spastic paraplegia 7. Last evaluated: 2023-11-13. Review status: criteria provided, single submitter. Criteria: Invitae Variant Classification Sherloc (09022015). Collection method: clinical testing. Allele origin: germline.
Comment: This sequence change replaces leucine, which is neutral and non-polar, with methionine, which is neutral and non-polar, at codon 155 of the SPG7 protein (p.Leu155Met). This variant is not present in population databases (gnomAD no frequency). This variant has not been reported in the literature in individuals affected with SPG7-related conditions. Advanced modeling of protein sequence and biophysical properties (such as structural, functional, and spatial information, amino acid conservation, physicochemical variation, residue mobility, and thermodynamic stability) performed at Invitae indicates that this missense variant is not expected to disrupt SPG7 protein function with a negative predictive value of 80%. In summary, the available evidence is currently insufficient to determine the role of this variant in disease. Therefore, it has been classified as a Variant of Uncertain Significance.